The following is an entry in ClinVar:

NM_003873.7(NRP1):c.355C>T (p.Leu119Phe)

Gene: NRP1 (neuropilin 1; minus strand). Cytogenetic location: 10p11.22.
Variant type: single nucleotide variant.
Coding change: c.355C>T on transcript NM_003873.7 (MANE Select); coding-DNA position 355, C replaced by T.
Protein change: p.Leu119Phe; replaces leucine 119 with phenylalanine.
Molecular consequence: missense variant.
Genome position (GRCh38, 1-based): chr10:33,270,750, G>A on the plus strand (C>T on the coding strand, the complement: NRP1 is on the minus strand). VCF-style: chr10-33270750-G-A. GRCh37 (hg19) VCF-style: chr10-33559678-G-A.
Other names: c.355C>T, p.Leu119Phe (NM_001024628.3, NM_001024629.3, NM_001244972.2 and 2 more transcripts); short protein forms L119F.
Identifiers: ClinVar variation 5002444 (VCV005002444.1).

ClinVar aggregate classification (germline): Uncertain significance (1 of 4 stars; one submission).

Conditions:
NRP1-related disorder. Also called: NRP1-related condition.

gnomAD v4.1: 1 of 1,613,724 alleles (0.000062%); no homozygotes.

Submission:

PreventionGenetics, part of Exact Sciences
Classification: Uncertain significance for NRP1-related condition. Last evaluated: 2024-10-11. Review status: criteria provided, single submitter. Criteria: ACMG Guidelines, 2015. Collection method: clinical testing. Allele origin: germline.
Comment: The NRP1 c.355C>T variant is predicted to result in the amino acid substitution p.Leu119Phe. To our knowledge, this variant has not been reported in the literature or in a large population database (gnomAD), indicating this variant is rare. At this time, the clinical significance of this variant is uncertain due to the absence of conclusive functional and genetic evidence.